The following is an entry in ClinVar:

NM_019066.5(MAGEL2):c.3475G>A (p.Glu1159Lys)

Gene: MAGEL2 (MAGE family member L2; minus strand). Cytogenetic location: 15q11.2.
Variant type: single nucleotide variant.
Coding change: c.3475G>A on transcript NM_019066.5 (MANE Select); coding-DNA position 3475, G replaced by A.
Protein change: p.Glu1159Lys; replaces glutamic acid 1159 with lysine.
Molecular consequence: missense variant.
Genome position (GRCh38, 1-based): chr15:23,644,268, C>T on the plus strand (G>A on the coding strand, the complement: MAGEL2 is on the minus strand). VCF-style: chr15-23644268-C-T. GRCh37 (hg19) VCF-style: chr15-23889415-C-T.
Other names: short protein forms E1159K.
Identifiers: ClinVar variation 2040681 (VCV002040681.5), dbSNP rs200478034, ClinGen allele CA7429688.

ClinVar aggregate classification (germline): Conflicting classifications of pathogenicity. Review status: criteria provided, conflicting classifications (1 of 4 stars). 2 submissions from 2 submitters: Uncertain significance (1); Likely benign (1). Last evaluated 2025-11-03.

Conditions:
Inborn genetic diseases. Identifiers: MedGen C0950123, MeSH D030342.

Allele frequency attached by ClinVar (database versions not stated): gnomAD 0.00014; ESP Exome Variant Server 0.00017; TOPMed 0.00011; ExAC 0.00014.
gnomAD v4.1: 336 of 1,613,588 alleles (0.021%); highest among the groups gnomAD compares: Non-Finnish European, 0.026%; no homozygotes.

Submissions (2):

Labcorp Genetics (formerly Invitae), Labcorp
Classification: Uncertain significance. Last evaluated: 2025-11-03. Review status: criteria provided, single submitter. Criteria: Invitae Variant Classification Sherloc (09022015). Collection method: clinical testing. Allele origin: germline.
Comment: This sequence change replaces glutamic acid, which is acidic and polar, with lysine, which is basic and polar, at codon 1159 of the MAGEL2 protein (p.Glu1159Lys). This variant is present in population databases (rs200478034, gnomAD 0.02%). This variant has not been reported in the literature in individuals affected with MAGEL2-related conditions. ClinVar contains an entry for this variant (Variation ID: 2040681). Invitae Evidence Modeling of protein sequence and biophysical properties (such as structural, functional, and spatial information, amino acid conservation, physicochemical variation, residue mobility, and thermodynamic stability) indicates that this missense variant is not expected to disrupt MAGEL2 protein function with a negative predictive value of 80%. In summary, the available evidence is currently insufficient to determine the role of this variant in disease. Therefore, it has been classified as a Variant of Uncertain Significance.

Ambry Genetics
Classification: Likely benign for Inborn genetic diseases. Last evaluated: 2021-08-16. Review status: criteria provided, single submitter. Criteria: Ambry Variant Classification Scheme 2023. Collection method: clinical testing. Allele origin: germline.